The following is an entry in ClinVar:

NM_001080449.3(DNA2):c.1160T>C (p.Ile387Thr)

Gene: DNA2 (DNA replication helicase/nuclease 2; minus strand). Cytogenetic location: 10q21.3.
Variant type: single nucleotide variant.
Coding change: c.1160T>C on transcript NM_001080449.3 (MANE Select); coding-DNA position 1160, T replaced by C.
Protein change: p.Ile387Thr; replaces isoleucine 387 with threonine.
Molecular consequence: missense variant. On other transcripts: non-coding transcript variant (1).
Genome position (GRCh38, 1-based): chr10:68,444,981, A>G on the plus strand (T>C on the coding strand, the complement: DNA2 is on the minus strand). VCF-style: chr10-68444981-A-G. GRCh37 (hg19) VCF-style: chr10-70204738-A-G.
Other names: short protein forms I387T.
Identifiers: ClinVar variation 2874693 (VCV002874693.3), dbSNP rs1422733615, ClinGen allele CA376862555.
Genomic context (GRCh38, chr10:68,444,981, plus strand): 5'-CTGCTATAAAGAGCACAATTGCCAATTTGTGAACAATATTTACAAGTTTTCTCTTCCTCA[A>G]TTATTTGTGGCAAAGAAGCAAGCTGTGTCTTCTGTCTAGTAGCAGATTTGCTAATACGGT-3'
Protein context (NP_001073918.2, residues 377-397): KTQLASLPQI[Ile387Thr]EEEKTCKYCS

ClinVar aggregate classification (germline): Uncertain significance (1 of 4 stars; one submission).

Allele frequency attached by ClinVar (database versions not stated): gnomAD exomes below 0.00001; TOPMed below 0.00001.
gnomAD v4.1: 1 of 1,613,718 alleles (0.000062%); highest among the groups gnomAD compares: Non-Finnish European, 0.000085%; no homozygotes.

Submission:

Labcorp Genetics (formerly Invitae), Labcorp
Classification: Uncertain significance. Last evaluated: 2024-02-16. Review status: criteria provided, single submitter. Criteria: Invitae Variant Classification Sherloc (09022015). Collection method: clinical testing. Allele origin: germline.
Comment: This sequence change replaces isoleucine, which is neutral and non-polar, with threonine, which is neutral and polar, at codon 387 of the DNA2 protein (p.Ile387Thr). This variant is not present in population databases (gnomAD no frequency). This variant has not been reported in the literature in individuals affected with DNA2-related conditions. Advanced modeling of protein sequence and biophysical properties (such as structural, functional, and spatial information, amino acid conservation, physicochemical variation, residue mobility, and thermodynamic stability) has been performed at Invitae for this missense variant, however the output from this modeling did not meet the statistical confidence thresholds required to predict the impact of this variant on DNA2 protein function. In summary, the available evidence is currently insufficient to determine the role of this variant in disease. Therefore, it has been classified as a Variant of Uncertain Significance.